The following is an entry in ClinVar:

ClinVar aggregate classification (germline): Uncertain significance. Review status: criteria provided, multiple submitters, no conflicts (2 of 4 stars). 2 submissions from 2 submitters: Uncertain significance (2). Last evaluated 2025-10-27.

Conditions:
Hereditary cancer-predisposing syndrome. Also called: Tumor predisposition; Hereditary Cancer Syndrome; Hereditary neoplastic syndrome; Neoplastic Syndromes, Hereditary. Identifiers: Orphanet 140162, MedGen C0027672, MeSH D009386, MONDO:0015356.
Familial adenomatous polyposis 1 (FAP1). Also called: FAMILIAL ADENOMATOUS POLYPOSIS 1, ATTENUATED; POLYPOSIS, ADENOMATOUS INTESTINAL. Identifiers: MedGen C2713442, MONDO:0021056, OMIM 175100. Disease mechanism: loss of function.

gnomAD v4.1: 3 of 1,612,044 alleles (0.00019%); highest among the groups gnomAD compares: Non-Finnish European, 0.00025%; no homozygotes.

Submissions (2):

Ambry Genetics
Classification: Uncertain significance for Hereditary cancer-predisposing syndrome. Last evaluated: 2025-10-27. Review status: criteria provided, single submitter. Criteria: Ambry Variant Classification Scheme 2023. Collection method: clinical testing. Allele origin: germline.
Comment: The p.C575R variant (also known as c.1723T>C), located in coding exon 13 of the APC gene, results from a T to C substitution at nucleotide position 1723. The cysteine at codon 575 is replaced by arginine, an amino acid with highly dissimilar properties. This amino acid position is highly conserved in available vertebrate species. In addition, in silico predictors for this gene do not accurately predict pathogenicity. Since supporting evidence is limited at this time, the clinical significance of this alteration remains unclear.

Labcorp Genetics (formerly Invitae), Labcorp
Classification: Uncertain significance for Familial adenomatous polyposis 1. Last evaluated: 2021-06-21. Review status: criteria provided, single submitter. Criteria: Invitae Variant Classification Sherloc (09022015). Collection method: clinical testing. Allele origin: germline.
Comment: In summary, the available evidence is currently insufficient to determine the role of this variant in disease. Therefore, it has been classified as a Variant of Uncertain Significance. This sequence change replaces cysteine with arginine at codon 575 of the APC protein (p.Cys575Arg). The cysteine residue is highly conserved and there is a large physicochemical difference between cysteine and arginine. Algorithms developed to predict the effect of missense changes on protein structure and function do not agree on the potential impact of this missense change (SIFT: "Deleterious"; PolyPhen-2: "Possibly Damaging"; Align-GVGD: "Class C0"). This variant has not been reported in the literature in individuals with APC-related disease. This variant is not present in population databases (ExAC no frequency).

NM_000038.6(APC):c.1723T>C (p.Cys575Arg)

Gene: APC (APC regulator of Wnt signaling pathway; plus strand). Cytogenetic location: 5q22.2.
Variant type: single nucleotide variant.
Coding change: c.1723T>C on transcript NM_000038.6 (MANE Select); coding-DNA position 1723, T replaced by C.
Protein change: p.Cys575Arg; replaces cysteine 575 with arginine.
Molecular consequence: missense variant.
Genome position (GRCh38, 1-based): chr5:112,828,952, T>C. VCF-style: chr5-112828952-T-C. GRCh37 (hg19) VCF-style: chr5-112164649-T-C.
Other names: c.1723T>C, p.Cys575Arg (NM_001127510.3, NM_001354895.2); c.1669T>C, p.Cys557Arg (NM_001127511.3); c.1777T>C, p.Cys593Arg (NM_001354896.2); c.1753T>C, p.Cys585Arg (NM_001354897.2); c.1648T>C, p.Cys550Arg (NM_001354898.2); c.1639T>C, p.Cys547Arg (NM_001354899.2); c.1600T>C, p.Cys534Arg (NM_001354900.2); c.1546T>C, p.Cys516Arg (NM_001354901.2); and 5 more; short protein forms C557R, C575R, C292R, C415R, C484R, C474R, C534R, C585R.
Identifiers: ClinVar variation 537443 (VCV000537443.13), dbSNP rs1391594497, ClinGen allele CA16025076.